The following is an entry in ClinVar:

ClinVar aggregate classification (germline): Uncertain significance (1 of 4 stars; one submission).

Submission:

GeneDx
Classification: Uncertain significance. Last evaluated: 2024-10-02. Review status: criteria provided, single submitter. Criteria: GeneDx Variant Classification Process June 2021. Collection method: clinical testing. Allele origin: germline. Affected: yes.
Comment: Not observed at significant frequency in large population cohorts (gnomAD); In silico analysis supports that this missense variant has a deleterious effect on protein structure/function; Has not been previously published as pathogenic or benign to our knowledge

NM_001318852.2(MAPK8IP3):c.1748C>G (p.Ser583Cys)

Gene: MAPK8IP3 (mitogen-activated protein kinase 8 interacting protein 3; plus strand). Cytogenetic location: 16p13.3.
Variant type: single nucleotide variant.
Coding change: c.1748C>G on transcript NM_001318852.2 (MANE Select); coding-DNA position 1748, C replaced by G.
Protein change: p.Ser583Cys; replaces serine 583 with cysteine.
Molecular consequence: missense variant.
Genome position (GRCh38, 1-based): chr16:1,762,856, C>G. VCF-style: chr16-1762856-C-G. GRCh37 (hg19) VCF-style: chr16-1812857-C-G.
Other names: c.1727C>G, p.Ser576Cys (NM_001040439.2); c.1745C>G, p.Ser582Cys (NM_015133.5); short protein forms S576C, S582C, S583C.
Identifiers: ClinVar variation 3776492 (VCV003776492.1).
Genomic context (GRCh38, chr16:1,762,856, plus strand): 5'-GGTCCTCTGCCCACCCCTCACCTCCCTGTGCCTCTGGCAGCTTCAGCCGCCTCTTCAGCT[C>G]TTCCTCCAGCCCCCCTCCGGCCAAGCGCCCCTATCCCTCGGTGAACATCCACTACAAGTC-3'
Protein context (NP_001305781.1, residues 573-593): IWQFFSRLFS[Ser583Cys]SSSPPPAKRP